The following is an entry in ClinVar:

NM_001377540.1(SLMAP):c.1739G>T (p.Arg580Leu)

Gene: SLMAP (sarcolemma associated protein; plus strand). Cytogenetic location: 3p14.3.
Variant type: single nucleotide variant.
Coding change: c.1739G>T on transcript NM_001377540.1 (MANE Select); coding-DNA position 1739, G replaced by T.
Protein change: p.Arg580Leu; replaces arginine 580 with leucine.
Molecular consequence: missense variant. On other transcripts: non-coding transcript variant (1).
Genome position (GRCh38, 1-based): chr3:57,912,420, G>T. VCF-style: chr3-57912420-G-T. GRCh37 (hg19) VCF-style: chr3-57898147-G-T.
Other names: c.1688G>T, p.Arg563Leu (NM_001304420.3, NM_001377541.1, NM_001377542.1); c.1574G>T, p.Arg525Leu (NM_001304421.2, NM_001377557.1, NM_001377559.1); c.290G>T, p.Arg97Leu (NM_001304422.3, NM_001311178.2); c.92G>T, p.Arg31Leu (NM_001304423.3); c.167G>T, p.Arg56Leu (NM_001311179.2, NM_001377926.1, NM_001377927.1 and 1 more transcripts); c.1760G>T, p.Arg587Leu (NM_001377538.1); c.1739G>T, p.Arg580Leu (NM_001377539.1); c.1676G>T, p.Arg559Leu (NM_001377545.1); and 8 more; short protein forms R525L, R563L, R56L, R97L, R31L, R546L, R484L, R501L.
Identifiers: ClinVar variation 666407 (VCV000666407.8), dbSNP rs138744399, ClinGen allele CA2467233.

ClinVar aggregate classification (germline): Likely benign. Review status: criteria provided, multiple submitters, no conflicts (2 of 4 stars). 2 submissions from 2 submitters: Likely benign (2). Last evaluated 2025-12-19.

Conditions:
Brugada syndrome. Also called: Sudden unexpected nocturnal death syndrome; Sudden Unexplained Death Syndrome; Sudden Unexplained Nocturnal Death Syndrome (SUNDS); Sudden unexplained nocturnal death syndrome. Identifiers: Orphanet 130, MedGen C1142166, MONDO:0015263.
SLMAP-related disorder. Also called: SLMAP-related condition.

Allele frequency attached by ClinVar (database versions not stated): ESP Exome Variant Server 0.00008; TOPMed 0.00021; gnomAD 0.00025.
gnomAD v4.1: 430 of 1,613,268 alleles (0.027%); highest among the groups gnomAD compares: Non-Finnish European, 0.03%; 1 homozygote.

Submissions (2):

Labcorp Genetics (formerly Invitae), Labcorp
Classification: Likely benign for Brugada syndrome. Last evaluated: 2025-12-19. Review status: criteria provided, single submitter. Criteria: Invitae Variant Classification Sherloc (09022015). Collection method: clinical testing. Allele origin: germline.

PreventionGenetics, part of Exact Sciences
Classification: Likely benign for SLMAP-related condition. Last evaluated: 2025-11-25. Review status: criteria provided, single submitter. Criteria: ACMG Guidelines, 2015. Collection method: clinical testing. Allele origin: germline.
Comment: This variant is classified as likely benign based on ACMG/AMP sequence variant interpretation guidelines (Richards et al. 2015 PMID: 25741868, with internal and published modifications).